The following is an entry in ClinVar:

NM_001040142.2(SCN2A):c.4489TAC[1] (p.Tyr1498del)

Gene: SCN2A (sodium voltage-gated channel alpha subunit 2; plus strand). Cytogenetic location: 2q24.3.
Variant type: Microsatellite.
Coding change: c.4489TAC[1] on transcript NM_001040142.2 (MANE Select); one copy of the 3-base unit TAC starting at c.4489; the reference has two copies in a row; one copy, 3 bases deleted.
Protein change: p.Tyr1498del; deletes tyrosine 1498.
Molecular consequence: inframe deletion.
Genome position (GRCh38, 1-based): chr2:165,381,138-165,381,140, TAC deleted; deleting any 3 consecutive bases within chr2:165,381,135-165,381,140 gives the same sequence; the position shown is the placement nearest the transcript's 3' end. VCF-style (leftmost placement, unchanged base first): chr2-165381134-ATAC-A. GRCh37 (hg19) VCF-style: chr2-166237644-ATAC-A.
Other names: c.4489TAC[1], p.Tyr1498del (NM_001040143.2, NM_001371246.1, NM_001371247.1 and 1 more transcripts); c.4492_4494delTAC (NM_021007.2); c.4492_4494del (NM_021007.2); short protein forms Y1498del.
Identifiers: ClinVar variation 984830 (VCV000984830.3), dbSNP rs1701580892, ClinGen allele CA1304561242.

ClinVar aggregate classification (germline): Pathogenic (1 of 4 stars; one submission).

Conditions:
Complex neurodevelopmental disorder. Identifiers: Orphanet 528084, MedGen C5568766, MONDO:0100038.

Submission:

GeneDx
Classification: Pathogenic. Last evaluated: 2024-12-09. Review status: criteria provided, single submitter. Criteria: GeneDx Variant Classification Process June 2021. Collection method: clinical testing. Allele origin: germline. Affected: yes.
Comment: In silico analysis supports a deleterious effect on protein structure/function; In-frame deletion of 1 amino acid(s) in a non-repeat region; Not observed at significant frequency in large population cohorts (gnomAD); This variant is associated with the following publications: (PMID: 35982159, 35982160)